The following is an entry in ClinVar:

NM_016204.4(GDF2):c.416T>C (p.Ile139Thr)

Gene: GDF2 (growth differentiation factor 2; plus strand). Cytogenetic location: 10q11.22.
Variant type: single nucleotide variant.
Coding change: c.416T>C on transcript NM_016204.4 (MANE Select); coding-DNA position 416, T replaced by C.
Protein change: p.Ile139Thr; replaces isoleucine 139 with threonine.
Molecular consequence: missense variant.
Genome position (GRCh38, 1-based): chr10:47,324,910, T>C. VCF-style: chr10-47324910-T-C. GRCh37 (hg19) VCF-style: chr10-48414452-A-G.
Other names: short protein forms I139T.
Identifiers: ClinVar variation 4857921 (VCV004857921.1).

ClinVar aggregate classification (germline): Uncertain significance (1 of 4 stars; one submission).

Conditions:
Cardiovascular phenotype. Identifiers: MedGen CN230736.

gnomAD v4.1: 1 of 1,613,910 alleles (0.000062%); highest among the groups gnomAD compares: East Asian, 0.0022%; no homozygotes.

Submission:

Ambry Genetics
Classification: Uncertain significance for Cardiovascular phenotype. Last evaluated: 2026-05-20. Review status: criteria provided, single submitter. Criteria: Ambry Variant Classification Scheme 2023. Collection method: clinical testing. Allele origin: germline.
Comment: The p.I139T variant (also known as c.416T>C), located in coding exon 2 of the GDF2 gene, results from a T to C substitution at nucleotide position 416. The isoleucine at codon 139 is replaced by threonine, an amino acid with similar properties. This amino acid position is conserved. Based on the available evidence, the clinical significance of this variant remains unclear.